The following is an entry in ClinVar:

NM_021096.4(CACNA1I):c.777G>A (p.Pro259=)

Gene: CACNA1I (calcium voltage-gated channel subunit alpha1 I; plus strand). Cytogenetic location: 22q13.1.
Variant type: single nucleotide variant.
Coding change: c.777G>A on transcript NM_021096.4 (MANE Select); coding-DNA position 777, G replaced by A.
Protein change: p.Pro259=; no amino-acid change (proline 259 retained).
Molecular consequence: synonymous variant.
Genome position (GRCh38, 1-based): chr22:39,640,903, G>A. VCF-style: chr22-39640903-G-A. GRCh37 (hg19) VCF-style: chr22-40036908-G-A.
Other names: c.777G>A, p.Pro259= (NM_001003406.2).
Identifiers: ClinVar variation 777740 (VCV000777740.42), dbSNP rs149938037, ClinGen allele CA10243703.

ClinVar aggregate classification (germline): Benign/Likely benign. Review status: criteria provided, multiple submitters, no conflicts (2 of 4 stars). 3 submissions from 3 submitters: Benign (1); Likely benign (2). Last evaluated 2026-08-01.

Allele frequency attached by ClinVar (database versions not stated): 1000 Genomes Project 30x 0.00390; 1000 Genomes Project 0.00399; TOPMed 0.00570; gnomAD exomes 0.00603 and 0.00712; gnomAD 0.00606 and 0.00609; ESP Exome Variant Server 0.00688; ExAC 0.00738.
gnomAD v4.1: 9,860 of 1,613,690 alleles (0.61%); highest among the groups gnomAD compares: Middle Eastern, 2.7%; 62 homozygotes.

Submissions (3):

CeGaT Center for Human Genetics Tuebingen
Classification: Likely benign. Last evaluated: 2026-08-01. Review status: criteria provided, single submitter. Criteria: CeGaT Center For Human Genetics Tuebingen Variant Classification Criteria Version 2. Collection method: clinical testing. Allele origin: germline. Affected: yes. Observed: 9 variant alleles.
Comment: CACNA1I: BP4, BP7, BS2

Labcorp Genetics (formerly Invitae), Labcorp
Classification: Benign. Last evaluated: 2017-09-29. Review status: criteria provided, single submitter. Criteria: Invitae Variant Classification Sherloc (09022015). Collection method: clinical testing. Allele origin: germline.

Breakthrough Genomics
Classification: Likely benign. Review status: criteria provided, single submitter. Criteria: ACMG Guidelines, 2015. Collection method: not provided. Allele origin: germline. Inheritance: Autosomal dominant inheritance. Affected: yes.